The following is an entry in ClinVar:

ClinVar aggregate classification (germline): Pathogenic (1 of 4 stars; one submission).

Conditions:
Ataxia-telangiectasia syndrome (AT). Also called: Ataxia-telangiectasia, complementation group E; LOUIS-BAR SYNDROME; Ataxia-telangiectasia, complementation group D; AT, COMPLEMENTATION GROUP C; Ataxia-telangiectasia; Cerebello-oculocutaneous telangiectasia. Identifiers: Orphanet 100, MedGen C0004135, MONDO:0008840, OMIM 208900.

Submission:

Labcorp Genetics (formerly Invitae), Labcorp
Classification: Pathogenic for Ataxia-telangiectasia syndrome. Last evaluated: 2021-06-17. Review status: criteria provided, single submitter. Criteria: Invitae Variant Classification Sherloc (09022015). Collection method: clinical testing. Allele origin: germline.
Comment: For these reasons, this variant has been classified as Pathogenic. This variant has not been reported in the literature in individuals with ATM-related conditions. This variant is a gross deletion of the genomic region encompassing exon(s) 30-32 of the ATM gene. This deletion is out-of-frame, and is expected to create a premature translational stop signal and result in an absent or disrupted protein product. Loss-of-function variants in ATM are known to be pathogenic (PMID: 23807571, 25614872).

Literature cited by the submitters: PubMed 23807571; PubMed 25614872.

NC_000011.9:g.(?_108163336)_(108165796_?)del

Gene: ATM (ATM serine/threonine kinase; plus strand). Cytogenetic location: 11q22.3.
Variant type: Deletion.
Identifiers: ClinVar variation 1454411 (VCV001454411.4).